The following is an entry in ClinVar:

GRCh38/hg38 22q13.33(chr22:50368887-50599372)x3

Genes: ADM2 (adrenomedullin 2; plus strand), CHKB (choline kinase beta; minus strand), CHKB-CPT1B (CHKB-CPT1B readthrough (NMD candidate); minus strand), CHKB-DT (CHKB divergent transcript; plus strand), CIMAP1B (ciliary microtubule associated protein 1B; minus strand) and 50 more. Cytogenetic location: 22q13.33.
Variant type: copy number gain.
Change: copy number 3 (three copies instead of two) of chr22:50,368,887-50,599,372 (230.5 kb, GRCh38 coordinates, 1-based), cytogenetic band 22q13.33.
Identifiers: ClinVar variation 160981 (VCV000160981.1).

ClinVar aggregate classification (germline): Uncertain significance (1 of 4 stars; one submission).

Submission:

ISCA site 4
Classification: Uncertain significance. Last evaluated: 2011-08-12. Review status: criteria provided, single submitter. Criteria: Kaminsky et al. (Genet Med. 2011). Collection method: clinical testing. Allele origin: paternal. Affected: yes. Observed: 1 variant allele.
Comment: Copy number variation identified through the course of routine clinical cytogenomic testing in postnatal populations. Clinical assertions have been curated as described in Kaminsky et al. 2011.